The following is an entry in ClinVar:

ClinVar aggregate classification (germline): Pathogenic (1 of 4 stars; one submission).

Conditions:
Oculofaciocardiodental syndrome (MCOPS2). Identifiers: Orphanet 2712, MedGen C1846265, MONDO:0010261, OMIM 300166.

Submission:

Institute of Human Genetics, University of Leipzig Medical Center
Classification: Pathogenic for Oculofaciocardiodental syndrome. Last evaluated: 2026-08-12. Review status: criteria provided, single submitter. Criteria: ACMG Guidelines, 2015. Collection method: clinical testing. Allele origin: unknown. Inheritance: X-linked dominant inheritance. Affected: yes.
Comment: Criteria applied: PVS1,PM2

NM_001123385.2(BCOR):c.2811del (p.Thr938fs)

Gene: BCOR (BCL6 corepressor; minus strand). Cytogenetic location: Xp11.4.
Variant type: Deletion.
Coding change: c.2811del on transcript NM_001123385.2 (MANE Select); coding-DNA position 2811, one base deleted (C; older notation c.2811delC).
Protein change: p.Thr938fs; shifts the reading frame from threonine 938.
Molecular consequence: frameshift variant.
Genome position (GRCh38, 1-based): chrX:40,072,535, G deleted on the plus strand (C on the coding strand, the reverse complement: BCOR is on the minus strand); the first of 5 consecutive G bases (chrX:40,072,535-40,072,539); deleting any one gives the same sequence. VCF-style (leftmost placement, unchanged base first): chrX-40072534-TG-T. GRCh37 (hg19) VCF-style: chrX-39931787-TG-T.
Other names: c.2811del, p.Thr938fs (NM_001123383.2, NM_001123384.2, NM_001437510.1 and 4 more transcripts); short protein forms T938fs.
Identifiers: ClinVar variation 4890735 (VCV004890735.1).